The following is an entry in ClinVar:

NM_000486.6(AQP2):c.342G>A (p.Gly114=)

Gene: AQP2 (aquaporin 2; plus strand). Cytogenetic location: 12q13.12.
Variant type: single nucleotide variant.
Coding change: c.342G>A on transcript NM_000486.6 (MANE Select); coding-DNA position 342, G replaced by A.
Protein change: p.Gly114=; no amino-acid change (glycine 114 retained).
Molecular consequence: synonymous variant.
Genome position (GRCh38, 1-based): chr12:49,951,172, G>A. VCF-style: chr12-49951172-G-A. GRCh37 (hg19) VCF-style: chr12-50344955-G-A.
Other names: p.Gly114=.
Identifiers: ClinVar variation 256241 (VCV000256241.21), dbSNP rs35400945, ClinGen allele CA6559204.

ClinVar aggregate classification (germline): Benign/Likely benign. Review status: criteria provided, multiple submitters, no conflicts (2 of 4 stars). 8 submissions from 8 submitters: Benign (6); Likely benign (1). 1 of the submissions does not count toward it. Last evaluated 2026-01-31.

Conditions:
Nephrogenic diabetes insipidus. Identifiers: Orphanet 223, MedGen C0162283, MONDO:0016383, HP:0009806.
Diabetes insipidus, nephrogenic, autosomal (NDI2). Also called: Nephrogenic Diabetes Insipidus, Type II; Diabetes insipidus, nephrogenic, 2, autosomal. Identifiers: Orphanet 223, MedGen C1563706, MONDO:0007451, OMIM 125800.

Allele frequency attached by ClinVar (database versions not stated): gnomAD exomes 0.00310; ExAC 0.00439; 1000 Genomes Project 0.01198; gnomAD 0.01210 and 0.01305; 1000 Genomes Project 30x 0.01249; TOPMed 0.01399; ESP Exome Variant Server 0.01524.
gnomAD v4.1: 3,682 of 1,605,498 alleles (0.23%); highest among the groups gnomAD compares: African/African-American, 4.3%; 78 homozygotes.

Submissions (8):

Labcorp Genetics (formerly Invitae), Labcorp
Classification: Benign. Last evaluated: 2026-01-31. Review status: criteria provided, single submitter. Criteria: Invitae Variant Classification Sherloc (09022015). Collection method: clinical testing. Allele origin: germline.

Mayo Clinic Laboratories, Mayo Clinic
Classification: Benign. Last evaluated: 2023-11-29. Review status: criteria provided, single submitter. Criteria: ACMG Guidelines, 2015. Collection method: clinical testing. Allele origin: germline. Observed: 3 variant alleles.
Comment: BS1, BS2, BP4, BP7

Genome-Nilou Lab
Classification: Benign for Diabetes insipidus, nephrogenic, autosomal. Last evaluated: 2021-12-05. Review status: criteria provided, single submitter. Criteria: ACMG Guidelines, 2015. Collection method: clinical testing. Allele origin: germline. Affected: no.

GeneDx
Classification: Likely benign. Last evaluated: 2021-05-04. Review status: criteria provided, single submitter. Criteria: GeneDx Variant Classification Process June 2021. Collection method: clinical testing. Allele origin: germline. Affected: yes.
Comment: See Variant Classification Assertion Criteria.

Illumina Laboratory Services, Illumina
Classification: Benign for Diabetes insipidus, nephrogenic, autosomal. Last evaluated: 2018-01-13. Review status: criteria provided, single submitter. Criteria: ICSL Variant Classification Criteria 13 December 2019. Collection method: clinical testing. Allele origin: germline.
Comment: This variant was observed in the ICSL laboratory as part of a predisposition screen in an ostensibly healthy population. It had not been previously curated by ICSL or reported in the Human Gene Mutation Database (HGMD: prior to June 1st, 2018), and was therefore a candidate for classification through an automated scoring system. Utilizing variant allele frequency, disease prevalence and penetrance estimates, and inheritance mode, an automated score was calculated to assess if this variant is too frequent to cause the disease. Based on the score and internal cut-off values, a variant classified as benign is not then subjected to further curation. The score for this variant resulted in a classification of benign for this disease.

Breakthrough Genomics
Classification: Benign. Review status: criteria provided, single submitter. Criteria: ACMG Guidelines, 2015. Collection method: not provided. Allele origin: germline. Inheritance: Autosomal dominant inheritance. Affected: yes.

PreventionGenetics, part of Exact Sciences
Classification: Benign. Review status: criteria provided, single submitter. Criteria: ACMG Guidelines, 2015. Collection method: clinical testing. Allele origin: germline.

Natera, Inc.
Classification: Benign for Nephrogenic diabetes insipidus. Last evaluated: 2020-09-16. Review status: no assertion criteria provided. Collection method: clinical testing. Allele origin: germline. Not counted in ClinVar's aggregate classification.